The following is an entry in ClinVar:

NM_006063.3(KLHL41):c.1590A>G (p.Gln530=)

Gene: KLHL41 (kelch like family member 41; plus strand). Cytogenetic location: 2q31.1.
Variant type: single nucleotide variant.
Coding change: c.1590A>G on transcript NM_006063.3 (MANE Select); coding-DNA position 1590, A replaced by G.
Protein change: p.Gln530=; no amino-acid change (glutamine 530 retained).
Molecular consequence: synonymous variant.
Genome position (GRCh38, 1-based): chr2:169,520,888, A>G. VCF-style: chr2-169520888-A-G. GRCh37 (hg19) VCF-style: chr2-170377398-A-G.
Other names: c.1590A>G (NM_006063.2).
Identifiers: ClinVar variation 2038829 (VCV002038829.5), dbSNP rs376724200, ClinGen allele CA1956723.

ClinVar aggregate classification (germline): Uncertain significance. Review status: criteria provided, multiple submitters, no conflicts (2 of 4 stars). 2 submissions from 2 submitters: Uncertain significance (2). Last evaluated 2024-05-08.

Conditions:
Nemaline myopathy 9 (NEM9). Identifiers: MedGen C3810384, MONDO:0014326, OMIM 615731.

Allele frequency attached by ClinVar (database versions not stated): ExAC 0.00001; TOPMed 0.00002; gnomAD 0.00003; ESP Exome Variant Server 0.00008; gnomAD exomes below 0.00001.
gnomAD v4.1: 6 of 1,613,126 alleles (0.00037%); highest among the groups gnomAD compares: African/African-American, 0.008%; no homozygotes.

Submissions (2):

GeneDx
Classification: Uncertain significance. Last evaluated: 2024-05-08. Review status: criteria provided, single submitter. Criteria: GeneDx Variant Classification Process June 2021. Collection method: clinical testing. Allele origin: germline. Affected: yes.
Comment: Not observed at significant frequency in large population cohorts (gnomAD); In silico analysis supports a deleterious effect on splicing; Has not been previously published as pathogenic or benign to our knowledge

Labcorp Genetics (formerly Invitae), Labcorp
Classification: Uncertain significance for Nemaline myopathy 9. Last evaluated: 2022-03-10. Review status: criteria provided, single submitter. Criteria: Invitae Variant Classification Sherloc (09022015). Collection method: clinical testing. Allele origin: germline.
Comment: In summary, the available evidence is currently insufficient to determine the role of this variant in disease. Therefore, it has been classified as a Variant of Uncertain Significance. Algorithms developed to predict the effect of sequence changes on RNA splicing suggest that this variant may create or strengthen a splice site. This variant has not been reported in the literature in individuals affected with KLHL41-related conditions. This variant is present in population databases (rs376724200, gnomAD 0.008%). This sequence change affects codon 530 of the KLHL41 mRNA. It is a 'silent' change, meaning that it does not change the encoded amino acid sequence of the KLHL41 protein.